The following is an entry in ClinVar:

NM_000388.4(CASR):c.2910C>T (p.Ser970=)

Gene: CASR (calcium sensing receptor; plus strand). Cytogenetic location: 3q21.1.
Variant type: single nucleotide variant.
Coding change: c.2910C>T on transcript NM_000388.4 (MANE Select); coding-DNA position 2910, C replaced by T.
Protein change: p.Ser970=; no amino-acid change (serine 970 retained).
Molecular consequence: synonymous variant.
Genome position (GRCh38, 1-based): chr3:122,284,864, C>T. VCF-style: chr3-122284864-C-T. GRCh37 (hg19) VCF-style: chr3-122003711-C-T.
Other names: c.2940C>T, p.Ser980= (NM_001178065.2).
Identifiers: ClinVar variation 706055 (VCV000706055.14), dbSNP rs200686461, ClinGen allele CA2569888.

ClinVar aggregate classification (germline): Benign/Likely benign. Review status: criteria provided, multiple submitters, no conflicts (2 of 4 stars). 3 submissions from 3 submitters: Benign (1); Likely benign (2). Last evaluated 2025-08-18.

Conditions:
Nephrolithiasis/nephrocalcinosis. Identifiers: MedGen CN580796.
Familial hypocalciuric hypercalcemia (FHH). Also called: Familial benign hypercalcemia. Identifiers: Orphanet 405, MedGen C1809471, MONDO:0018458.
Autosomal dominant hypocalcemia 1 (HYPOC1). Also called: HYPOCALCEMIA, FAMILIAL. Identifiers: MedGen C3715128, MONDO:0011013, OMIM 601198.

Allele frequency attached by ClinVar (database versions not stated): 1000 Genomes Project 0.00020; TOPMed 0.00003; ExAC 0.00004; 1000 Genomes Project 30x 0.00016; gnomAD 0.00001.
gnomAD v4.1: 9 of 1,614,184 alleles (0.00056%); highest among the groups gnomAD compares: East Asian, 0.02%; no homozygotes.

Submissions (3):

Labcorp Genetics (formerly Invitae), Labcorp
Classification: Likely benign for Familial hypocalciuric hypercalcemia; Autosomal dominant hypocalcemia 1. Last evaluated: 2025-08-18. Review status: criteria provided, single submitter. Criteria: Invitae Variant Classification Sherloc (09022015). Collection method: clinical testing. Allele origin: germline.

Athena Diagnostics
Classification: Benign. Last evaluated: 2025-03-18. Review status: criteria provided, single submitter. Criteria: Athena Diagnostics Criteria. Collection method: clinical testing. Allele origin: unknown.
Comment: The frequency of this variant in the general population is higher than would generally be expected for pathogenic variants in this gene. Computational tools yielded predictions that this variant is unlikely to have an effect on normal RNA splicing. This nucleotide position exhibits low evolutionary conservation.

Ambry Genetics
Classification: Likely benign for Nephrolithiasis/nephrocalcinosis. Last evaluated: 2022-01-04. Review status: criteria provided, single submitter. Criteria: Ambry Variant Classification Scheme 2023. Collection method: clinical testing. Allele origin: germline.